The following is an entry in ClinVar:

NM_014946.4(SPAST):c.1666G>C (p.Ala556Pro)

Gene: SPAST (spastin; plus strand). Cytogenetic location: 2p22.3.
Variant type: single nucleotide variant.
Coding change: c.1666G>C on transcript NM_014946.4 (MANE Select); coding-DNA position 1666, G replaced by C.
Protein change: p.Ala556Pro; replaces alanine 556 with proline.
Molecular consequence: missense variant. On other transcripts: intron variant (1).
Genome position (GRCh38, 1-based): chr2:32,144,986, G>C. VCF-style: chr2-32144986-G-C. GRCh37 (hg19) VCF-style: chr2-32370055-G-C.
Other names: c.1663G>C, p.Ala555Pro (NM_001363823.2); c.1567G>C, p.Ala523Pro (NM_001363875.2); c.1570G>C, p.Ala524Pro (NM_199436.2); c.1520+1571G>C (NM_001377959.1); short protein forms A556P, A524P, A523P, A555P.
Identifiers: ClinVar variation 566253 (VCV000566253.9), dbSNP rs1558341948, ClinGen allele CA346504258.

ClinVar aggregate classification (germline): Conflicting classifications of pathogenicity. Review status: criteria provided, conflicting classifications (1 of 4 stars). 2 submissions from 2 submitters: Pathogenic (1); Uncertain significance (1). Last evaluated 2024-11-27.

Conditions:
Hereditary spastic paraplegia 4. Also called: Spastic paraplegia 4, autosomal dominant; Spastic Paraplegia 4; Familial spastic paraplegia autosomal dominant 2. Identifiers: Orphanet 100985, MedGen C1866855, MONDO:0008438, OMIM 182601.

Submissions (2):

GeneDx
Classification: Uncertain significance. Last evaluated: 2024-11-27. Review status: criteria provided, single submitter. Criteria: GeneDx Variant Classification Process June 2021. Collection method: clinical testing. Allele origin: germline. Affected: yes.
Comment: Not observed at significant frequency in large population cohorts (gnomAD); In silico analysis supports that this missense variant has a deleterious effect on protein structure/function; Has not been previously published as pathogenic or benign to our knowledge; This variant is associated with the following publications: (PMID: 21139634, 26094131)

Labcorp Genetics (formerly Invitae), Labcorp
Classification: Pathogenic for Hereditary spastic paraplegia 4. Last evaluated: 2022-02-27. Review status: criteria provided, single submitter. Criteria: Invitae Variant Classification Sherloc (09022015). Collection method: clinical testing. Allele origin: germline.
Comment: For these reasons, this variant has been classified as Pathogenic. This variant disrupts the p.Ala556 amino acid residue in SPAST. Other variant(s) that disrupt this residue have been observed in individuals with SPAST-related conditions (PMID: 10699187, 29934652), which suggests that this may be a clinically significant amino acid residue. ClinVar contains an entry for this variant (Variation ID: 566253). Advanced modeling of protein sequence and biophysical properties (such as structural, functional, and spatial information, amino acid conservation, physicochemical variation, residue mobility, and thermodynamic stability) performed at Invitae indicates that this missense variant is expected to disrupt SPAST protein function. This sequence change replaces alanine, which is neutral and non-polar, with proline, which is neutral and non-polar, at codon 556 of the SPAST protein (p.Ala556Pro). This variant is not present in population databases (gnomAD no frequency). This missense change has been observed in individual(s) with hereditary spastic paraplegia (Invitae). It has also been observed to segregate with disease in related individuals.

Literature cited by the submitters: PubMed 10699187 (cited by Labcorp Genetics (formerly Invitae), Labcorp); PubMed 29934652 (cited by Labcorp Genetics (formerly Invitae), Labcorp).